The following is an entry in ClinVar:

ClinVar aggregate classification (germline): Uncertain significance. Review status: criteria provided, multiple submitters, no conflicts (2 of 4 stars). 2 submissions from 2 submitters: Uncertain significance (2). Last evaluated 2025-08-19.

Conditions:
Inborn genetic diseases. Identifiers: MedGen C0950123, MeSH D030342.

Allele frequency attached by ClinVar (database versions not stated): gnomAD exomes below 0.00001 and 0.00001; ExAC 0.00001; gnomAD 0.00001; TOPMed 0.00002; 1000 Genomes Project 0.00020; 1000 Genomes Project 30x 0.00031.
gnomAD v4.1: 6 of 1,613,108 alleles (0.00037%); highest among the groups gnomAD compares: Admixed American, 0.01%; no homozygotes.

Submissions (2):

Ambry Genetics
Classification: Uncertain significance for Inborn genetic diseases. Last evaluated: 2025-08-19. Review status: criteria provided, single submitter. Criteria: Ambry Variant Classification Scheme 2023. Collection method: clinical testing. Allele origin: germline.

Labcorp Genetics (formerly Invitae), Labcorp
Classification: Uncertain significance. Last evaluated: 2025-02-17. Review status: criteria provided, single submitter. Criteria: Invitae Variant Classification Sherloc (09022015). Collection method: clinical testing. Allele origin: germline.
Comment: This sequence change replaces aspartic acid, which is acidic and polar, with valine, which is neutral and non-polar, at codon 343 of the FARSB protein (p.Asp343Val). This variant is present in population databases (rs199579249, gnomAD 0.009%). This variant has not been reported in the literature in individuals affected with FARSB-related conditions. ClinVar contains an entry for this variant (Variation ID: 1465759). An algorithm developed to predict the effect of missense changes on protein structure and function (PolyPhen-2) suggests that this variant is likely to be tolerated. In summary, the available evidence is currently insufficient to determine the role of this variant in disease. Therefore, it has been classified as a Variant of Uncertain Significance.

NM_005687.5(FARSB):c.1028A>T (p.Asp343Val)

Gene: FARSB (phenylalanyl-tRNA synthetase subunit beta; minus strand). Cytogenetic location: 2q36.1.
Variant type: single nucleotide variant.
Coding change: c.1028A>T on transcript NM_005687.5 (MANE Select); coding-DNA position 1028, A replaced by T.
Protein change: p.Asp343Val; replaces aspartic acid 343 with valine.
Molecular consequence: missense variant. On other transcripts: non-coding transcript variant (1).
Genome position (GRCh38, 1-based): chr2:222,624,414, T>A on the plus strand (A>T on the coding strand, the complement: FARSB is on the minus strand). VCF-style: chr2-222624414-T-A. GRCh37 (hg19) VCF-style: chr2-223489133-T-A.
Other names: c.1028A>T (NM_005687.3); short protein forms D343V.
Identifiers: ClinVar variation 1465759 (VCV001465759.9), dbSNP rs199579249, ClinGen allele CA2136463.
Genomic context (GRCh38, chr2:222,624,414, plus strand): 5'-TCACATGCATGGATAATGTCAGCTCTGGTTGGAGGGATTTCAATCTCAATCTGATTCCCA[T>A]CACCTATGACTTCTGATTTTAAATACATCCTGGTCAGAAGTTTGGCAAGATTTTCTGGAG-3'
Protein context (NP_005678.3, residues 333-353): RMYLKSEVIG[Asp343Val]GNQIEIEIPP